The following is an entry in ClinVar:

NM_015512.5(DNAH1):c.3325C>T (p.Arg1109Trp)

Gene: DNAH1 (dynein axonemal heavy chain 1; plus strand). Cytogenetic location: 3p21.1.
Variant type: single nucleotide variant.
Coding change: c.3325C>T on transcript NM_015512.5 (MANE Select); coding-DNA position 3325, C replaced by T.
Protein change: p.Arg1109Trp; replaces arginine 1109 with tryptophan.
Molecular consequence: missense variant.
Genome position (GRCh38, 1-based): chr3:52,353,478, C>T. VCF-style: chr3-52353478-C-T. GRCh37 (hg19) VCF-style: chr3-52387494-C-T.
Other names: short protein forms R1109W.
Identifiers: ClinVar variation 2376540 (VCV002376540.18), dbSNP rs368220708, ClinGen allele CA2433551.

ClinVar aggregate classification (germline): Uncertain significance. Review status: criteria provided, multiple submitters, no conflicts (2 of 4 stars). 4 submissions from 4 submitters: Uncertain significance (4). Last evaluated 2025-10-21.

Conditions:
Spermatogenic failure 18. Identifiers: MedGen C4539783, MONDO:0054615, OMIM 617576.
Ciliary dyskinesia, primary, 37 (CILD37). Also called: CILIARY DYSKINESIA, PRIMARY, 37, WITH OR WITHOUT SITUS INVERSUS. Identifiers: MedGen C4539798, MONDO:0033204, OMIM 617577.

Allele frequency attached by ClinVar (database versions not stated): gnomAD exomes 0.00004; ExAC 0.00005; gnomAD 0.00005; TOPMed 0.00006; ESP Exome Variant Server 0.00016.
gnomAD v4.1: 58 of 1,613,824 alleles (0.0036%); highest among the groups gnomAD compares: African/African-American, 0.008%; no homozygotes.

Submissions (4):

Ambry Genetics
Classification: Uncertain significance. Last evaluated: 2025-10-21. Review status: criteria provided, single submitter. Criteria: Ambry Variant Classification Scheme 2023. Collection method: clinical testing. Allele origin: germline.

CeGaT Center for Human Genetics Tuebingen
Classification: Uncertain significance. Last evaluated: 2024-09-01. Review status: criteria provided, single submitter. Criteria: CeGaT Center For Human Genetics Tuebingen Variant Classification Criteria Version 2. Collection method: clinical testing. Allele origin: germline. Affected: yes. Observed: 1 variant allele.
Comment: DNAH1: PM2

Blueprint Genetics
Classification: Uncertain significance. Last evaluated: 2023-11-28. Review status: criteria provided, single submitter. Criteria: ACMG Guidelines, 2015. Collection method: clinical testing. Allele origin: germline.

Labcorp Genetics (formerly Invitae), Labcorp
Classification: Uncertain significance for Ciliary dyskinesia, primary, 37; Spermatogenic failure 18. Last evaluated: 2023-06-25. Review status: criteria provided, single submitter. Criteria: Invitae Variant Classification Sherloc (09022015). Collection method: clinical testing. Allele origin: germline.
Comment: In summary, the available evidence is currently insufficient to determine the role of this variant in disease. Therefore, it has been classified as a Variant of Uncertain Significance. Advanced modeling of protein sequence and biophysical properties (such as structural, functional, and spatial information, amino acid conservation, physicochemical variation, residue mobility, and thermodynamic stability) performed at Invitae indicates that this missense variant is expected to disrupt DNAH1 protein function. ClinVar contains an entry for this variant (Variation ID: 2376540). This variant has not been reported in the literature in individuals affected with DNAH1-related conditions. This variant is present in population databases (rs368220708, gnomAD 0.01%). This sequence change replaces arginine, which is basic and polar, with tryptophan, which is neutral and slightly polar, at codon 1109 of the DNAH1 protein (p.Arg1109Trp).